The following is an entry in ClinVar:

ClinVar aggregate classification (germline): Uncertain significance (1 of 4 stars; one submission).

Submission:

Labcorp Genetics (formerly Invitae), Labcorp
Classification: Uncertain significance. Last evaluated: 2024-02-13. Review status: criteria provided, single submitter. Criteria: Invitae Variant Classification Sherloc (09022015). Collection method: clinical testing. Allele origin: germline.
Comment: This sequence change replaces serine, which is neutral and polar, with alanine, which is neutral and non-polar, at codon 535 of the ELP1 protein (p.Ser535Ala). This variant is not present in population databases (gnomAD no frequency). This variant has not been reported in the literature in individuals affected with ELP1-related conditions. Advanced modeling of protein sequence and biophysical properties (such as structural, functional, and spatial information, amino acid conservation, physicochemical variation, residue mobility, and thermodynamic stability) performed at Invitae indicates that this missense variant is not expected to disrupt ELP1 protein function with a negative predictive value of 80%. In summary, the available evidence is currently insufficient to determine the role of this variant in disease. Therefore, it has been classified as a Variant of Uncertain Significance.

NM_003640.5(ELP1):c.1603T>G (p.Ser535Ala)

Gene: ELP1 (elongator acetyltransferase complex subunit 1; minus strand). Cytogenetic location: 9q31.3.
Variant type: single nucleotide variant.
Coding change: c.1603T>G on transcript NM_003640.5 (MANE Select); coding-DNA position 1603, T replaced by G.
Protein change: p.Ser535Ala; replaces serine 535 with alanine.
Molecular consequence: missense variant.
Genome position (GRCh38, 1-based): chr9:108,906,343, A>C on the plus strand (T>G on the coding strand, the complement: ELP1 is on the minus strand). VCF-style: chr9-108906343-A-C. GRCh37 (hg19) VCF-style: chr9-111668623-A-C.
Other names: c.1261T>G, p.Ser421Ala (NM_001318360.2); c.556T>G, p.Ser186Ala (NM_001330749.2); short protein forms S186A, S535A, S421A.
Identifiers: ClinVar variation 3668085 (VCV003668085.2).